The following is an entry in ClinVar:

ClinVar aggregate classification (germline): Pathogenic (1 of 4 stars; one submission).

Conditions:
Inborn genetic diseases. Identifiers: MedGen C0950123, MeSH D030342.

Submission:

Ambry Genetics
Classification: Pathogenic for Inborn genetic diseases. Last evaluated: 2022-05-14. Review status: criteria provided, single submitter. Criteria: Ambry Variant Classification Scheme 2023. Collection method: clinical testing. Allele origin: germline.
Comment: The c.6552dupC (p.K2185Qfs*25) alteration, located in exon 28 (coding exon 28) of the KMT2B gene, consists of a duplication of C at position 6552, causing a translational frameshift with a predicted alternate stop codon after 25 amino acids. This alteration is expected to result in loss of function by premature protein truncation or nonsense-mediated mRNA decay. This variant was not reported in population-based cohorts in the Genome Aggregation Database (gnomAD). Based on the available evidence, this alteration is classified as pathogenic.

NM_014727.3(KMT2B):c.6552dup (p.Lys2185fs)

Gene: KMT2B (lysine methyltransferase 2B; plus strand). Cytogenetic location: 19q13.12.
Variant type: Duplication.
Coding change: c.6552dup on transcript NM_014727.3 (MANE Select); coding-DNA position 6552, one base duplicated (C; older notation c.6552dupC).
Protein change: p.Lys2185fs; shifts the reading frame from lysine 2185.
Molecular consequence: frameshift variant.
Genome position (GRCh38, 1-based): chr19:35,733,101, C duplicated; the last of 6 consecutive C bases (chr19:35,733,096-35,733,101); duplicating any one gives the same sequence. VCF-style (leftmost placement, unchanged base first): chr19-35733095-G-GC. GRCh37 (hg19) VCF-style: chr19-36223996-G-GC.
Other names: short protein forms K2185fs.
Identifiers: ClinVar variation 2284068 (VCV002284068.2), dbSNP rs747928028, ClinGen allele CA9385714.